The following is an entry in ClinVar:

NM_017534.6(MYH2):c.5579C>G (p.Thr1860Arg)

Genes: MYH2 (myosin heavy chain 2; minus strand), MYHAS (myosin heavy chain gene cluster antisense RNA; plus strand). Cytogenetic location: 17p13.1.
Variant type: single nucleotide variant.
Coding change: c.5579C>G on transcript NM_017534.6 (MANE Select); coding-DNA position 5579, C replaced by G.
Protein change: p.Thr1860Arg; replaces threonine 1860 with arginine.
Molecular consequence: missense variant.
Genome position (GRCh38, 1-based): chr17:10,523,184, G>C on the plus strand (C>G on the coding strand, the complement: MYH2 is on the minus strand). VCF-style: chr17-10523184-G-C. GRCh37 (hg19) VCF-style: chr17-10426501-G-C.
Other names: c.5579C>G, p.Thr1860Arg (NM_001100112.2); short protein forms T1860R.
Identifiers: ClinVar variation 465948 (VCV000465948.5), dbSNP rs148724880, ClinGen allele CA398114418.
Genomic context (GRCh38, chr17:10,523,184, plus strand): 5'-TTTGCCTGAAGTTTATCTACCAAATCTTGAAGCCTGAGAATATTCTTTCTATCTTCTTCC[G>C]TCTGAAAGATTATAAAAAGTCCAGGACCTTAATTACTAAAGCACATGACTATTGCATCAT-3'
Protein context (NP_060004.3, residues 1850-1870): ERRVKELTYQ[Thr1860Arg]EEDRKNILRL

ClinVar aggregate classification (germline): Uncertain significance (1 of 4 stars; one submission).

Conditions:
Myopathy, proximal, and ophthalmoplegia (CMYO6). Also called: INCLUSION BODY MYOPATHY 3, AUTOSOMAL DOMINANT; CONGENITAL MYOPATHY 6 WITH OPHTHALMOPLEGIA; MYOPATHY WITH CONGENITAL JOINT CONTRACTURES, OPHTHALMOPLEGIA, AND RIMMED VACUOLES. Identifiers: Orphanet 363677, Orphanet 79091, MedGen C1854106, MONDO:0011577, OMIM 605637.

Submission:

Labcorp Genetics (formerly Invitae), Labcorp
Classification: Uncertain significance for Myopathy, proximal, and ophthalmoplegia. Last evaluated: 2022-07-19. Review status: criteria provided, single submitter. Criteria: Invitae Variant Classification Sherloc (09022015). Collection method: clinical testing. Allele origin: germline.
Comment: This variant has not been reported in the literature in individuals affected with MYH2-related conditions. In summary, the available evidence is currently insufficient to determine the role of this variant in disease. Therefore, it has been classified as a Variant of Uncertain Significance. Algorithms developed to predict the effect of missense changes on protein structure and function are either unavailable or do not agree on the potential impact of this missense change (SIFT: "Deleterious"; PolyPhen-2: "Benign"; Align-GVGD: "Class C15"). ClinVar contains an entry for this variant (Variation ID: 465948). This variant is not present in population databases (gnomAD no frequency). This sequence change replaces threonine, which is neutral and polar, with arginine, which is basic and polar, at codon 1860 of the MYH2 protein (p.Thr1860Arg).